The following is an entry in ClinVar:

ClinVar aggregate classification (germline): Benign (1 of 4 stars; one submission).

Allele frequency attached by ClinVar (database versions not stated): 1000 Genomes Project 0.27556; 1000 Genomes Project 30x 0.27904; gnomAD 0.30362 and 0.30518; TOPMed 0.31584.
gnomAD v4.1: 46,753 of 152,184 alleles (31%); highest among the groups gnomAD compares: Middle Eastern, 46%; 8,542 homozygotes.

Submission:

GeneDx
Classification: Benign. Last evaluated: 2018-06-14. Review status: criteria provided, single submitter. Criteria: GeneDx Variant Classification (06012015). Collection method: clinical testing. Allele origin: germline. Affected: yes.
Comment: This variant is considered likely benign or benign based on one or more of the following criteria: it is a conservative change, it occurs at a poorly conserved position in the protein, it is predicted to be benign by multiple in silico algorithms, and/or has population frequency not consistent with disease.

NM_001035.3(RYR2):c.577-258A>C

Gene: RYR2 (ryanodine receptor 2; plus strand). Cytogenetic location: 1q43.
Variant type: single nucleotide variant.
Coding change: c.577-258A>C on transcript NM_001035.3 (MANE Select); 258 bases into the intron before coding-DNA position 577, A replaced by C.
Molecular consequence: intron variant.
Genome position (GRCh38, 1-based): chr1:237,387,023, A>C. VCF-style: chr1-237387023-A-C. GRCh37 (hg19) VCF-style: chr1-237550323-A-C.
Identifiers: ClinVar variation 683754 (VCV000683754.1), dbSNP rs10925398, ClinGen allele CA10827217.